The following is an entry in ClinVar:

ClinVar aggregate classification (germline): Pathogenic (1 of 4 stars; one submission).

Submission:

Labcorp Genetics (formerly Invitae), Labcorp
Classification: Pathogenic. Last evaluated: 2021-06-20. Review status: criteria provided, single submitter. Criteria: Invitae Variant Classification Sherloc (09022015). Collection method: clinical testing. Allele origin: germline.
Comment: For these reasons, this variant has been classified as Pathogenic. This variant has not been reported in the literature in individuals with LAMC3-related conditions. This variant is present in population databases (rs775904966, ExAC 0.02%). This sequence change creates a premature translational stop signal (p.Gly567Argfs*24) in the LAMC3 gene. It is expected to result in an absent or disrupted protein product. Loss-of-function variants in LAMC3 are known to be pathogenic (PMID: 21572413, 26802095).

Literature cited by the submitters: PubMed 21572413; PubMed 26802095.

NM_006059.4(LAMC3):c.1698dup (p.Gly567fs)

Genes: LAMC3 (laminin subunit gamma 3; plus strand), LOC126860777 (BRD4-independent group 4 enhancer GRCh37_chr9:133927058-133928257; plus strand). Cytogenetic location: 9q34.12.
Variant type: Duplication.
Coding change: c.1698dup on transcript NM_006059.4 (MANE Select); coding-DNA position 1698, one base duplicated (C; older notation c.1698dupC).
Protein change: p.Gly567fs; shifts the reading frame from glycine 567.
Molecular consequence: frameshift variant.
Genome position (GRCh38, 1-based): chr9:131,052,558, C duplicated; the last of 6 consecutive C bases (chr9:131,052,553-131,052,558); duplicating any one gives the same sequence. VCF-style (leftmost placement, unchanged base first): chr9-131052552-G-GC. GRCh37 (hg19) VCF-style: chr9-133927939-G-GC.
Other names: short protein forms G567fs.
Identifiers: ClinVar variation 1421192 (VCV001421192.6), dbSNP rs775904966, ClinGen allele CA5287170.